The following is an entry in ClinVar:

ClinVar aggregate classification (germline): Uncertain significance (1 of 4 stars; one submission).

gnomAD v4.1: 1 of 1,609,454 alleles (0.000062%); highest among the groups gnomAD compares: Non-Finnish European, 0.000085%; no homozygotes.

Submission:

Labcorp Genetics (formerly Invitae), Labcorp
Classification: Uncertain significance. Last evaluated: 2025-07-30. Review status: criteria provided, single submitter. Criteria: Invitae Variant Classification Sherloc (09022015). Collection method: clinical testing. Allele origin: germline.
Comment: This sequence change affects codon 969 of the DGKZ mRNA. It is a 'silent' change, meaning that it does not change the encoded amino acid sequence of the DGKZ protein. It affects a nucleotide within the consensus splice site. This variant is not present in population databases (gnomAD no frequency). This variant has not been reported in the literature in individuals affected with DGKZ-related conditions. Algorithms developed to predict the effect of sequence changes on RNA splicing suggest that this variant is not likely to affect RNA splicing. In summary, the available evidence is currently insufficient to determine the role of this variant in disease. Therefore, it has been classified as a Variant of Uncertain Significance.

NM_001199267.2(DGKZ):c.2340G>A (p.Arg780=)

Gene: DGKZ (diacylglycerol kinase zeta; plus strand). Cytogenetic location: 11p11.2.
Variant type: single nucleotide variant.
Coding change: c.2340G>A on transcript NM_001199267.2 (MANE Select); coding-DNA position 2340, G replaced by A.
Protein change: p.Arg780=; no amino-acid change (arginine 780 retained).
Molecular consequence: synonymous variant.
Genome position (GRCh38, 1-based): chr11:46,378,198, G>A. VCF-style: chr11-46378198-G-A. GRCh37 (hg19) VCF-style: chr11-46399748-G-A.
Other names: c.2907G>A, p.Arg969= (NM_001105540.2); c.2343G>A, p.Arg781= (NM_001199266.2, NM_003646.4); c.2274G>A, p.Arg758= (NM_001199268.2); c.2391G>A, p.Arg797= (NM_201532.3); c.2355G>A, p.Arg785= (NM_201533.3).
Identifiers: ClinVar variation 4690700 (VCV004690700.1).